The following is an entry in ClinVar:

NM_007294.4(BRCA1):c.3330del (p.Lys1110fs)

Genes: BRCA1 (BRCA1 DNA repair associated; minus strand), LOC126862571 (BRD4-independent group 4 enhancer GRCh37_chr17:41243136-41244335; plus strand). Cytogenetic location: 17q21.31.
Variant type: Deletion.
Coding change: c.3330del on transcript NM_007294.4 (MANE Select); coding-DNA position 3330, one base deleted (G; older notation c.3330delG).
Protein change: p.Lys1110fs; shifts the reading frame from lysine 1110.
Molecular consequence: frameshift variant. On other transcripts: intron variant (137).
Genome position (GRCh38, 1-based): chr17:43,092,201, C deleted on the plus strand (G on the coding strand, the reverse complement: BRCA1 is on the minus strand). VCF-style (leftmost placement, unchanged base first): chr17-43092200-GC-G. GRCh37 (hg19) VCF-style: chr17-41244217-GC-G.
Other names: c.3330delG (NM_007294.4); c.3117del, p.Lys1039fs (NM_001407571.1, NM_001407853.1, NM_001407894.1 and 9 more transcripts); c.3330del, p.Lys1110fs (NM_001407581.1, NM_001407582.1, NM_001407583.1 and 30 more transcripts); c.3327del, p.Lys1109fs (NM_001407587.1, NM_001407590.1, NM_001407591.1 and 22 more transcripts); c.3321del, p.Lys1107fs (NM_001407646.1, NM_001407647.1); c.3207del, p.Lys1069fs (NM_001407648.1, NM_001407664.1, NM_001407665.1 and 19 more transcripts); c.3204del, p.Lys1068fs (NM_001407649.1, NM_001407670.1, NM_001407671.1 and 11 more transcripts); c.3252del, p.Lys1084fs (NM_001407653.1, NM_001407654.1, NM_001407655.1 and 4 more transcripts); and 42 more; short protein forms K1063fs, K1110fs, K1022fs, K1039fs, K1109fs, K814fs, K999fs, K1083fs.
Identifiers: ClinVar variation 254426 (VCV000254426.6), dbSNP rs886038011, ClinGen allele CA10586632.
Genomic context (GRCh38, chr17:43,092,200, plus strand): 5'-CTGAAATCAGATATGGAGAGAAATCTGTATTAACAGTCTGAACTACTTCTTCATATTCTT[GC>G]TTTTTTATTTCAGGATGCTTACAATTACTTCCAGGAAGACTTTGTTTATAGACCTCAGGT-3'

ClinVar aggregate classification (germline): Pathogenic. Review status: reviewed by expert panel (3 of 4 stars). 3 submissions from 3 submitters: Pathogenic (1). 2 of the submissions do not count toward it. Last evaluated 2016-09-08.

Conditions:
Breast-ovarian cancer, familial, susceptibility to, 1 (BROVCA1). Also called: BRCA1 Hereditary Breast and Ovarian Cancer; OVARIAN CANCER, SUSCEPTIBILITY TO. Identifiers: Orphanet 145, MedGen C2676676, MONDO:0011450, OMIM 604370. Disease mechanism: loss of function.

Submissions (3):

Evidence-based Network for the Interpretation of Germline Mutant Alleles (ENIGMA)
Classification: Pathogenic for Breast-ovarian cancer, familial, susceptibility to, 1. Last evaluated: 2016-09-08. Review status: reviewed by expert panel. Criteria: ENIGMA BRCA1/2 Classification Criteria (2015). Collection method: curation. Allele origin: germline.
Comment: Variant allele predicted to encode a truncated non-functional protein.

Center for Genomic Medicine, Rigshospitalet, Copenhagen University Hospital
Classification: Pathogenic. Last evaluated: 2025-03-04. Review status: criteria provided, single submitter. Criteria: ACMG Guidelines, 2015. Collection method: clinical testing. Allele origin: germline. Not counted in ClinVar's aggregate classification.

Consortium of Investigators of Modifiers of BRCA1/2 (CIMBA), c/o University of Cambridge
Classification: Pathogenic for Breast-ovarian cancer, familial, susceptibility to, 1. Last evaluated: 2015-10-02. Review status: criteria provided, single submitter. Criteria: CIMBA Mutation Classification guidelines May 2016. Collection method: clinical testing. Allele origin: germline. Not counted in ClinVar's aggregate classification.